The following is an entry in ClinVar:

NM_005271.5(GLUD1):c.697A>T (p.Met233Leu)

Gene: GLUD1 (glutamate dehydrogenase 1; minus strand). Cytogenetic location: 10q23.2.
Variant type: single nucleotide variant.
Coding change: c.697A>T on transcript NM_005271.5 (MANE Select); coding-DNA position 697, A replaced by T.
Protein change: p.Met233Leu; replaces methionine 233 with leucine.
Molecular consequence: missense variant.
Genome position (GRCh38, 1-based): chr10:87,068,107, T>A on the plus strand (A>T on the coding strand, the complement: GLUD1 is on the minus strand). VCF-style: chr10-87068107-T-A. GRCh37 (hg19) VCF-style: chr10-88827864-T-A.
Other names: c.298A>T, p.Met100Leu (NM_001318900.1); c.196A>T, p.Met66Leu (NM_001318901.1, NM_001318902.1, NM_001318904.2 and 2 more transcripts); short protein forms M233L, M100L, M66L.
Identifiers: ClinVar variation 4838476 (VCV004838476.1).

ClinVar aggregate classification (germline): Uncertain significance (1 of 4 stars; one submission).

Conditions:
Inborn genetic diseases. Identifiers: MedGen C0950123, MeSH D030342.

Submission:

Ambry Genetics
Classification: Uncertain significance for Inborn genetic diseases. Last evaluated: 2025-12-22. Review status: criteria provided, single submitter. Criteria: Ambry Variant Classification Scheme 2023. Collection method: clinical testing. Allele origin: germline.
Comment: The c.697A>T (p.M233L) alteration is located in exon 5 (coding exon 5) of the GLUD1 gene. This alteration results from a A to T substitution at nucleotide position 697, causing the methionine (M) at amino acid position 233 to be replaced by a leucine (L). Based on data from gnomAD, the T allele has an overall frequency of <0.001% (1/251382) total alleles studied. The highest observed frequency was 0.006% (1/16254) of African alleles. Based on insufficient or conflicting evidence, the clinical significance of this alteration remains unclear.